The following is an entry in ClinVar:

ClinVar aggregate classification (germline): Conflicting classifications of pathogenicity. Review status: criteria provided, conflicting classifications (1 of 4 stars). 2 submissions from 2 submitters: Likely pathogenic (1); Uncertain significance (1). Last evaluated 2025-02-04.

gnomAD v4.1: 6 of 1,614,066 alleles (0.00037%); highest among the groups gnomAD compares: Non-Finnish European, 0.00051%; no homozygotes.

Submissions (2):

GeneDx
Classification: Likely pathogenic. Last evaluated: 2025-02-04. Review status: criteria provided, single submitter. Criteria: GeneDx Variant Classification Process June 2021. Collection method: clinical testing. Allele origin: germline. Affected: yes.
Comment: Reported previously in the compound heterozygous state in a patient with a small head size, growth delay, developmental delay/intellectual disability, movement disorder, seizures, hearing loss, hypotonia, white matter lesions, cerebral tissue loss, brain calcifications, and developmental regression (PMID: 33942428); Published functional studies demonstrate a damaging effect and show that this variant reduces the oxygen consumption rate and mitochondrial protein synthesis (PMID: 33942428); In silico analysis supports that this missense variant has a deleterious effect on protein structure/function; Not observed at significant frequency in large population cohorts (gnomAD); This variant is associated with the following publications: (PMID: 33942428)

Blueprint Genetics
Classification: Uncertain significance. Last evaluated: 2023-09-11. Review status: criteria provided, single submitter. Criteria: ACMG Guidelines, 2015. Collection method: clinical testing. Allele origin: germline.

NM_005548.3(KARS1):c.958C>T (p.Arg320Cys)

Gene: KARS1 (lysyl-tRNA synthetase 1; minus strand). Cytogenetic location: 16q23.1.
Variant type: single nucleotide variant.
Coding change: c.958C>T on transcript NM_005548.3 (MANE Select); coding-DNA position 958, C replaced by T.
Protein change: p.Arg320Cys; replaces arginine 320 with cysteine.
Molecular consequence: missense variant.
Genome position (GRCh38, 1-based): chr16:75,631,813, G>A on the plus strand (C>T on the coding strand, the complement: KARS1 is on the minus strand). VCF-style: chr16-75631813-G-A. GRCh37 (hg19) VCF-style: chr16-75665711-G-A.
Other names: c.1042C>T, p.Arg348Cys (NM_001130089.2); c.490C>T, p.Arg164Cys (NM_001378148.1); short protein forms R164C, R320C, R348C.
Identifiers: ClinVar variation 4072438 (VCV004072438.2).
Genomic context (GRCh38, chr16:75,631,813, plus strand): 5'-ACTCACAGGTGGTGAACTCAGGATTGTGCGTCAAATCAATCCCCTCATTCCGGAACTGGC[G>A]TCCAATTTCATAAACCCGGTCGATGCCACCAACCACAAGCATCTAACAACAACACATGGC-3'
Protein context (NP_005539.1, residues 310-330): GGIDRVYEIG[Arg320Cys]QFRNEGIDLT